The following is an entry in ClinVar:

NM_018444.4(PDP1):c.-44-114A>G

Gene: PDP1 (pyruvate dehydrogenase phosphatase catalytic subunit 1; plus strand). Cytogenetic location: 8q22.1.
Variant type: single nucleotide variant.
Coding change: c.-44-114A>G on transcript NM_018444.4 (MANE Select); 114 bases into the intron before 44 bases upstream of the start codon, A replaced by G.
Molecular consequence: intron variant.
Genome position (GRCh38, 1-based): chr8:93,921,902, A>G. VCF-style: chr8-93921902-A-G. GRCh37 (hg19) VCF-style: chr8-94934130-A-G.
Other names: c.32-114A>G (NM_001161779.2, NM_001161780.2); c.-44-114A>G (NM_001161781.2).
Identifiers: ClinVar variation 676918 (VCV000676918.1), dbSNP rs116698141, ClinGen allele CA181374351.

ClinVar aggregate classification (germline): Likely benign (1 of 4 stars; one submission).

Allele frequency attached by ClinVar (database versions not stated): gnomAD exomes 0.00063; gnomAD 0.00556 and 0.00595; TOPMed 0.00632; 1000 Genomes Project 0.00679; 1000 Genomes Project 30x 0.00703.
gnomAD v4.1: 1,205 of 704,582 alleles (0.17%); highest among the groups gnomAD compares: African/African-American, 1.9%; 9 homozygotes.

Submission:

GeneDx
Classification: Likely benign. Last evaluated: 2018-06-14. Review status: criteria provided, single submitter. Criteria: GeneDx Variant Classification (06012015). Collection method: clinical testing. Allele origin: germline. Affected: yes.
Comment: This variant is considered likely benign or benign based on one or more of the following criteria: it is a conservative change, it occurs at a poorly conserved position in the protein, it is predicted to be benign by multiple in silico algorithms, and/or has population frequency not consistent with disease.